The following is an entry in ClinVar:

ClinVar aggregate classification (germline): Uncertain significance (1 of 4 stars; one submission).

Submission:

Labcorp Genetics (formerly Invitae), Labcorp
Classification: Uncertain significance. Last evaluated: 2025-01-15. Review status: criteria provided, single submitter. Criteria: Invitae Variant Classification Sherloc (09022015). Collection method: clinical testing. Allele origin: germline.
Comment: This variant, c.230_238dup, results in the insertion of 3 amino acid(s) of the PAX1 protein (p.Gly79_His80insArgProGly), but otherwise preserves the integrity of the reading frame. This variant is not present in population databases (gnomAD no frequency). This variant has not been reported in the literature in individuals affected with PAX1-related conditions. ClinVar contains an entry for this variant (Variation ID: 1992047). In summary, the available evidence is currently insufficient to determine the role of this variant in disease. Therefore, it has been classified as a Variant of Uncertain Significance.

NM_001257096.2(PAX1):c.230_238dup (p.Gly79_His80insArgProGly)

Gene: PAX1 (paired box 1; plus strand). Cytogenetic location: 20p11.22.
Variant type: Duplication.
Coding change: c.230_238dup on transcript NM_001257096.2 (MANE Select); coding-DNA positions 230 to 238, 9 bases duplicated (GCCCCGGCC; older notation c.230_238dupGCCCCGGCC).
Protein change: p.Gly79_His80insArgProGly.
Molecular consequence: inframe insertion.
Genome position (GRCh38, 1-based): chr20:21,705,942-21,705,950, GCCCCGGCC duplicated. VCF-style (leftmost placement, unchanged base first): chr20-21705941-A-AGCCCCGGCC. GRCh37 (hg19) VCF-style: chr20-21686579-A-AGCCCCGGCC.
Other names: c.230_238dup, p.Gly79_His80insArgProGly (NM_006192.5).
Identifiers: ClinVar variation 1992047 (VCV001992047.4), dbSNP rs1381747996, ClinGen allele CA742087168.